The following is an entry in ClinVar:

NM_007294.4(BRCA1):c.2698A>G (p.Thr900Ala)

Gene: BRCA1 (BRCA1 DNA repair associated; minus strand). Cytogenetic location: 17q21.31.
Variant type: single nucleotide variant.
Coding change: c.2698A>G on transcript NM_007294.4 (MANE Select); coding-DNA position 2698, A replaced by G.
Protein change: p.Thr900Ala; replaces threonine 900 with alanine.
Molecular consequence: missense variant. On other transcripts: intron variant (137).
Genome position (GRCh38, 1-based): chr17:43,092,833, T>C on the plus strand (A>G on the coding strand, the complement: BRCA1 is on the minus strand). VCF-style: chr17-43092833-T-C. GRCh37 (hg19) VCF-style: chr17-41244850-T-C.
Other names: c.2572A>G, p.Thr858Ala (NM_001407690.1, NM_001407691.1, NM_001407940.1 and 11 more transcripts); c.2557A>G, p.Thr853Ala (NM_001407692.1, NM_001407694.1, NM_001407695.1 and 29 more transcripts); c.2554A>G, p.Thr852Ala (NM_001407740.1, NM_001407741.1, NM_001407742.1 and 20 more transcripts); c.2485A>G, p.Thr829Ala (NM_001407853.1, NM_001407894.1, NM_001407895.1 and 9 more transcripts); c.2698A>G, p.Thr900Ala (NM_001407854.1, NM_001407858.1, NM_001407859.1 and 30 more transcripts); c.2695A>G, p.Thr899Ala (NM_001407860.1, NM_001407861.1, NM_001407587.1 and 22 more transcripts); c.2497A>G, p.Thr833Ala (NM_001407862.1); c.2575A>G, p.Thr859Ala (NM_001407863.1, NM_001407919.1, NM_001407937.1 and 19 more transcripts); and 41 more; short protein forms T772A, T830A, T873A, T900A, T732A, T604A, T788A, T789A.
Identifiers: ClinVar variation 1794861 (VCV001794861.4), dbSNP rs2552184882, ClinGen allele CA10596603.

ClinVar aggregate classification (germline): Conflicting classifications of pathogenicity. Review status: criteria provided, conflicting classifications (1 of 4 stars). 2 submissions from 2 submitters: Uncertain significance (1); Likely benign (1). Last evaluated 2023-03-23.

Conditions:
Hereditary cancer-predisposing syndrome. Also called: Tumor predisposition; Hereditary Cancer Syndrome; Neoplastic Syndromes, Hereditary; Hereditary neoplastic syndrome. Identifiers: Orphanet 140162, MedGen C0027672, MeSH D009386, MONDO:0015356.

Submissions (2):

University of Washington Department of Laboratory Medicine, University of Washington
Classification: Likely benign for Hereditary cancer-predisposing syndrome. Last evaluated: 2023-03-23. Review status: criteria provided, single submitter. Criteria: Dines et al. (Genet Med. 2020). Collection method: curation. Allele origin: germline.
Comment: Missense variant in a coldspot region where missense variants are very unlikely to be pathogenic (PMID:31911673).

BRCA1 coldspot (exon 11 using historical exon numbering). Reclassification based on statistical prior probability

Ambry Genetics
Classification: Uncertain significance for Hereditary cancer-predisposing syndrome. Last evaluated: 2020-01-02. Review status: criteria provided, single submitter. Criteria: Ambry Variant Classification Scheme 2023. Collection method: clinical testing. Allele origin: germline.
Comment: The p.T900A variant (also known as c.2698A>G), located in coding exon 9 of the BRCA1 gene, results from an A to G substitution at nucleotide position 2698. The threonine at codon 900 is replaced by alanine, an amino acid with similar properties. This amino acid position is not well conserved in available vertebrate species. In addition, this alteration is predicted to be tolerated by in silico analysis. Since supporting evidence is limited at this time, the clinical significance of this alteration remains unclear.